The following is an entry in ClinVar:

ClinVar aggregate classification (germline): Likely benign (1 of 4 stars; one submission).

Allele frequency attached by ClinVar (database versions not stated): gnomAD exomes 0.00015; 1000 Genomes Project 30x 0.00078; 1000 Genomes Project 0.00080; ExAC 0.00175.

Submission:

CeGaT Center for Human Genetics Tuebingen
Classification: Likely benign. Last evaluated: 2023-01-01. Review status: criteria provided, single submitter. Criteria: CeGaT Center For Human Genetics Tuebingen Variant Classification Criteria Version 2. Collection method: clinical testing. Allele origin: germline. Affected: yes. Observed: 1 variant allele.
Comment: GOLGA8K: BP4, BP7, BS2

NM_001282493.2(GOLGA8K):c.1791T>C (p.Thr597=)

Gene: GOLGA8K (golgin A8 family member K). Cytogenetic location: 15q13.3.
Variant type: single nucleotide variant.
Coding change: c.1791T>C on transcript NM_001282493.2 (MANE Select); coding-DNA position 1791, T replaced by C.
Protein change: p.Thr597=; no amino-acid change (threonine 597 retained).
Molecular consequence: synonymous variant.
Genome position (GRCh38, 1-based): chr15:32,392,884, A>G on the plus strand (T>C on the coding strand, the complement: GOLGA8K is on the minus strand). VCF-style: chr15-32392884-A-G. GRCh37 (hg19) VCF-style: chr15-32685085-A-G.
Identifiers: ClinVar variation 2645118 (VCV002645118.24), dbSNP rs550165109, ClinGen allele CA7454493.